The following is an entry in ClinVar:

ClinVar aggregate classification (germline): Pathogenic (1 of 4 stars; one submission).

Submission:

Labcorp Genetics (formerly Invitae), Labcorp
Classification: Pathogenic. Last evaluated: 2023-07-14. Review status: criteria provided, single submitter. Criteria: Invitae Variant Classification Sherloc (09022015). Collection method: clinical testing. Allele origin: germline.
Comment: This sequence change creates a premature translational stop signal (p.Ala31Valfs*4) in the RCBTB1 gene. It is expected to result in an absent or disrupted protein product. Loss-of-function variants in RCBTB1 are known to be pathogenic (PMID: 31494449). For these reasons, this variant has been classified as Pathogenic. ClinVar contains an entry for this variant (Variation ID: 2030962). This variant has not been reported in the literature in individuals affected with RCBTB1-related conditions. This variant is not present in population databases (gnomAD no frequency).

Literature cited by the submitters: PubMed 31494449.

NM_018191.4(RCBTB1):c.92_105del (p.Ala31fs)

Gene: RCBTB1 (RCC1 and BTB domain containing protein 1; minus strand). Cytogenetic location: 13q14.2.
Variant type: Deletion.
Coding change: c.92_105del on transcript NM_018191.4 (MANE Select); coding-DNA positions 92 to 105, 14 bases deleted (CCAGTGAAGCACTG).
Protein change: p.Ala31fs; shifts the reading frame from alanine 31.
Molecular consequence: frameshift variant. On other transcripts: 5 prime UTR variant (1), non-coding transcript variant (2).
Genome position (GRCh38, 1-based): chr13:49,567,175-49,567,188, CAGTGCTTCACTGG deleted on the plus strand (CCAGTGAAGCACTG on the coding strand, the reverse complement: RCBTB1 is on the minus strand); deleting any 14 consecutive bases within chr13:49,567,175-49,567,189 gives the same sequence; the c. name uses the placement nearest the transcript's 3' end. VCF-style (leftmost placement, unchanged base first): chr13-49567174-ACAGTGCTTCACTGG-A. GRCh37 (hg19) VCF-style: chr13-50141310-ACAGTGCTTCACTGG-A.
Other names: c.92_105del, p.Ala31fs (NM_001352500.2, NM_001352501.2, NM_001352502.2 and 3 more transcripts); c.-518_-505del (NM_001352506.2); short protein forms A31fs.
Identifiers: ClinVar variation 2030962 (VCV002030962.4), dbSNP rs1346037124, ClinGen allele CA698760441.
Genomic context (GRCh38, chr13:49,567,174, plus strand): 5'-ATAAGTCCTAAAACGAAACTAGGTTTCAAGAGACTCTTACCTCATCATTGTCAGTAACGT[ACAGTGCTTCACTGG>A]CTGAGGTGCCGAAGACACACGCCTTCCGAATAGACGCGATCTCTTGAGGGGAGAGTAGAG-3'